The following is an entry in ClinVar:

ClinVar aggregate classification (germline): Uncertain significance (1 of 4 stars; one submission).

Conditions:
Familial hemiplegic migraine. Identifiers: MedGen C0338484, MONDO:0000700.

Submission:

Labcorp Genetics (formerly Invitae), Labcorp
Classification: Uncertain significance for Familial hemiplegic migraine. Last evaluated: 2022-02-04. Review status: criteria provided, single submitter. Criteria: Invitae Variant Classification Sherloc (09022015). Collection method: clinical testing. Allele origin: germline.
Comment: In summary, the available evidence is currently insufficient to determine the role of this variant in disease. Therefore, it has been classified as a Variant of Uncertain Significance. Advanced modeling of protein sequence and biophysical properties (such as structural, functional, and spatial information, amino acid conservation, physicochemical variation, residue mobility, and thermodynamic stability) performed at Invitae indicates that this missense variant is expected to disrupt ATP1A2 protein function. ClinVar contains an entry for this variant (Variation ID: 1046388). This variant has not been reported in the literature in individuals affected with ATP1A2-related conditions. This variant is not present in population databases (gnomAD no frequency). This sequence change replaces glutamine, which is neutral and polar, with glutamic acid, which is acidic and polar, at codon 703 of the ATP1A2 protein (p.Gln703Glu).

NM_000702.4(ATP1A2):c.2107C>G (p.Gln703Glu)

Gene: ATP1A2 (ATPase Na+/K+ transporting subunit alpha 2; plus strand). Cytogenetic location: 1q23.2.
Variant type: single nucleotide variant.
Coding change: c.2107C>G on transcript NM_000702.4 (MANE Select); coding-DNA position 2107, C replaced by G.
Protein change: p.Gln703Glu; replaces glutamine 703 with glutamic acid.
Molecular consequence: missense variant.
Genome position (GRCh38, 1-based): chr1:160,135,287, C>G. VCF-style: chr1-160135287-C-G. GRCh37 (hg19) VCF-style: chr1-160105077-C-G.
Other names: short protein forms Q703E.
Identifiers: ClinVar variation 1046388 (VCV001046388.8), dbSNP rs1651900087, ClinGen allele CA343248777.